The following is an entry in ClinVar:

NM_022464.5(SIL1):c.699T>C (p.Asn233=)

Gene: SIL1 (SIL1 nucleotide exchange factor; minus strand). Cytogenetic location: 5q31.2.
Variant type: single nucleotide variant.
Coding change: c.699T>C on transcript NM_022464.5 (MANE Select); coding-DNA position 699, T replaced by C.
Protein change: p.Asn233=; no amino-acid change (asparagine 233 retained).
Molecular consequence: synonymous variant.
Genome position (GRCh38, 1-based): chr5:139,021,239, A>G on the plus strand (T>C on the coding strand, the complement: SIL1 is on the minus strand). VCF-style: chr5-139021239-A-G. GRCh37 (hg19) VCF-style: chr5-138356928-A-G.
Other names: c.699T>C, p.Asn233= (NM_001037633.2).
Identifiers: ClinVar variation 351082 (VCV000351082.25), dbSNP rs140891877, ClinGen allele CA3432508.
Genomic context (GRCh38, chr5:139,021,239, plus strand): 5'-GGCAGCGCCCAGCACAAACGCAGCATACTCCTTCACGAGGGGCTCTGTGCTGTTCAGCCC[A>G]TTGATCACCACTTGAAGACCACCAAAGGAAAGCAGGTCCTGCGCATTGTCCATCTGCAAC-3'
Protein context (NP_071909.1, residues 223-243): LSFGGLQVVI[Asn233=]GLNSTEPLVK

ClinVar aggregate classification (germline): Conflicting classifications of pathogenicity. Review status: criteria provided, conflicting classifications (1 of 4 stars). 6 submissions from 6 submitters: Uncertain significance (1); Likely benign (5). Last evaluated 2026-05-01.

Conditions:
Marinesco-Sjögren syndrome (MSS). Also called: Marinesco-SjÃ¶gren syndrome; Marinesco-Sjogren Syndrome. Identifiers: Orphanet 559, MedGen C0024814, MONDO:0009567, OMIM 248800.

Allele frequency attached by ClinVar (database versions not stated): 1000 Genomes Project 30x 0.00016; gnomAD 0.00017 and 0.00023; TOPMed 0.00017; 1000 Genomes Project 0.00020; gnomAD exomes 0.00020 and 0.00034; ESP Exome Variant Server 0.00031; ExAC 0.00040.
gnomAD v4.1: 327 of 1,614,172 alleles (0.02%); highest among the groups gnomAD compares: South Asian, 0.15%; no homozygotes.

Submissions (6):

CeGaT Center for Human Genetics Tuebingen
Classification: Likely benign. Last evaluated: 2026-05-01. Review status: criteria provided, single submitter. Criteria: CeGaT Center For Human Genetics Tuebingen Variant Classification Criteria Version 2. Collection method: clinical testing. Allele origin: germline. Affected: yes. Observed: 3 variant alleles.
Comment: SIL1: BP4, BP7

Labcorp Genetics (formerly Invitae), Labcorp
Classification: Likely benign for Marinesco-Sjögren syndrome. Last evaluated: 2026-01-19. Review status: criteria provided, single submitter. Criteria: Invitae Variant Classification Sherloc (09022015). Collection method: clinical testing. Allele origin: germline.

Blueprint Genetics
Classification: Likely benign. Last evaluated: 2024-11-19. Review status: criteria provided, single submitter. Criteria: ACMG Guidelines, 2015. Collection method: clinical testing. Allele origin: germline.

GeneDx
Classification: Likely benign. Last evaluated: 2018-11-28. Review status: criteria provided, single submitter. Criteria: GeneDx Variant Classification Process June 2021. Collection method: clinical testing. Allele origin: germline. Affected: yes.

Illumina Laboratory Services, Illumina
Classification: Uncertain significance for Marinesco-Sjögren syndrome. Last evaluated: 2018-01-13. Review status: criteria provided, single submitter. Criteria: ICSL Variant Classification Criteria 13 December 2019. Collection method: clinical testing. Allele origin: germline.

Athena Diagnostics
Classification: Likely benign. Last evaluated: 2016-09-30. Review status: criteria provided, single submitter. Criteria: Athena Diagnostics Criteria. Collection method: clinical testing. Allele origin: germline.